The following is an entry in ClinVar:

ClinVar aggregate classification (germline): Pathogenic. Review status: criteria provided, multiple submitters, no conflicts (2 of 4 stars). 4 submissions from 4 submitters: Pathogenic (3). 1 of the submissions does not count toward it. Last evaluated 2026-01-17.

Conditions:
TGFBI-related disorder. Also called: TGFBI-related condition.
Avellino corneal dystrophy (CDA). Also called: Granular-lattice (Avellino) corneal dystrophy; Combined granular-lattice corneal dystrophies; Granular and lattice corneal dystrophies; Granular corneal dystrophy type 2; COMBINED GRANULAR-LATTICE CORNEAL DYSTROPHY; GRANULAR CORNEAL DYSTROPHY, TYPE II. Identifiers: Orphanet 98963, MedGen C1275685, MONDO:0011855, OMIM 607541.
Reis-Bucklers' corneal dystrophy (CDRB). Also called: GRANULAR CORNEAL DYSTROPHY, TYPE III. Identifiers: Orphanet 98961, MedGen C0339278, MONDO:0012043, OMIM 608470.

Submissions (4):

Labcorp Genetics (formerly Invitae), Labcorp
Classification: Pathogenic. Last evaluated: 2026-01-17. Review status: criteria provided, single submitter. Criteria: Invitae Variant Classification Sherloc (09022015). Collection method: clinical testing. Allele origin: germline.
Comment: This sequence change replaces arginine, which is basic and polar, with leucine, which is neutral and non-polar, at codon 124 of the TGFBI protein (p.Arg124Leu). This variant is not present in population databases (gnomAD no frequency). This missense change has been observed in individuals with autosomal dominant corneal dystrophy (PMID: 9780098, 11923233). It has also been observed to segregate with disease in related individuals. ClinVar contains an entry for this variant (Variation ID: 7872). An algorithm developed to predict the effect of missense changes on protein structure and function (PolyPhen-2) suggests that this variant is likely to be disruptive. This variant disrupts the p.Arg124 amino acid residue in TGFBI. Other variant(s) that disrupt this residue have been determined to be pathogenic (PMID: 10798644, 11923233, 23559853). This suggests that this residue is clinically significant, and that variants that disrupt this residue are likely to be disease-causing. For these reasons, this variant has been classified as Pathogenic.

Blueprint Genetics
Classification: Pathogenic for TGFBI-related disorders. Last evaluated: 2023-11-20. Review status: criteria provided, single submitter. Criteria: ACMG Guidelines, 2015. Collection method: clinical testing. Allele origin: germline. Affected: yes. Observed: 4 variant alleles.

Institute of Human Genetics Munich, TUM University Hospital
Classification: Pathogenic for Avellino corneal dystrophy. Last evaluated: 2020-01-17. Review status: criteria provided, single submitter. Criteria: Classification criteria August 2017. Collection method: clinical testing. Allele origin: de novo. Inheritance: Autosomal dominant inheritance. Affected: yes. Observed: 1 heterozygote.

OMIM
Classification: Pathogenic for CORNEAL DYSTROPHY, REIS-BUCKLERS TYPE. Last evaluated: 2006-04-01. Review status: no assertion criteria provided. Collection method: literature only. Allele origin: germline. Not counted in ClinVar's aggregate classification.

Literature cited by the submitters: PubMed 9780098 (cited by Labcorp Genetics (formerly Invitae), Labcorp and OMIM); PubMed 11923233 (cited by Labcorp Genetics (formerly Invitae), Labcorp); PubMed 10798644 (cited by Labcorp Genetics (formerly Invitae), Labcorp); PubMed 23559853 (cited by Labcorp Genetics (formerly Invitae), Labcorp); PubMed 9930165 (cited by OMIM); PubMed 16606891 (cited by OMIM).

NM_000358.3(TGFBI):c.371G>T (p.Arg124Leu)

Gene: TGFBI (transforming growth factor beta induced; plus strand). Cytogenetic location: 5q31.1.
Variant type: single nucleotide variant.
Coding change: c.371G>T on transcript NM_000358.3 (MANE Select); coding-DNA position 371, G replaced by T.
Protein change: p.Arg124Leu; replaces arginine 124 with leucine.
Molecular consequence: missense variant.
Genome position (GRCh38, 1-based): chr5:136,046,407, G>T. VCF-style: chr5-136046407-G-T. GRCh37 (hg19) VCF-style: chr5-135382096-G-T.
Other names: short protein forms R124L.
Identifiers: ClinVar variation 7872 (VCV000007872.8), dbSNP rs121909211, ClinGen allele CA119124.